The following is an entry in ClinVar:

NM_000271.5(NPC1):c.3299_3300dup (p.Asn1101fs)

Gene: NPC1 (NPC intracellular cholesterol transporter 1; minus strand). Cytogenetic location: 18q11.2.
Variant type: Duplication.
Coding change: c.3299_3300dup on transcript NM_000271.5 (MANE Select); coding-DNA positions 3299 to 3300, 2 bases duplicated (TC; older notation c.3299_3300dupTC).
Protein change: p.Asn1101fs; shifts the reading frame from asparagine 1101.
Molecular consequence: frameshift variant.
Genome position (GRCh38, 1-based): chr18:23,535,646-23,535,647, GA duplicated on the plus strand (TC on the coding strand, the reverse complement: NPC1 is on the minus strand). VCF-style (leftmost placement, unchanged base first): chr18-23535645-T-TGA. GRCh37 (hg19) VCF-style: chr18-21115609-T-TGA.
Other names: short protein forms N1101fs.
Identifiers: ClinVar variation 1076409 (VCV001076409.8), dbSNP rs2145351545, ClinGen allele CA2499225056.
Genomic context (GRCh38, chr18:23,535,645, plus strand): 5'-GCTCACAGCCCAGGAGGACCATGGTCACCAGAAATATCGCGCCCAGGGACACACCGAGGT[T>TGA]GAAGATAGTGTCGTCAATGATGGTCAGGTACTGTTCGTAGAAGACATAAAACACACTGGA-3'

ClinVar aggregate classification (germline): Pathogenic. Review status: criteria provided, multiple submitters, no conflicts (2 of 4 stars). 2 submissions from 2 submitters: Pathogenic (2). Last evaluated 2024-09-02.

Conditions:
Niemann-Pick disease, type C1. Also called: NIEMANN-PICK DISEASE, VARIANT TYPE C1; NEUROVISCERAL STORAGE DISEASE WITH VERTICAL SUPRANUCLEAR OPHTHALMOPLEGIA; NIEMANN-PICK DISEASE WITH CHOLESTEROL ESTERIFICATION BLOCK; NIEMANN-PICK DISEASE WITHOUT SPHINGOMYELINASE DEFICIENCY; NIEMANN-PICK DISEASE, CHRONIC NEURONOPATHIC FORM. Identifiers: Orphanet 646, MedGen C3179455, MONDO:0009757, OMIM 257220.

Submissions (2):

Myriad Genetics, Inc.
Classification: Pathogenic for Niemann-Pick disease, type C1. Last evaluated: 2024-09-02. Review status: criteria provided, single submitter. Criteria: Myriad Autosomal Dominant, Autosomal Recessive and X-Linked Classification Criteria (2023). Collection method: clinical testing. Allele origin: unknown.
Comment: NM_000271.4(NPC1):c.3299_3300dupTC(N1101Sfs*13) is expected to be pathogenic in the context of Niemann-Pick disease type C1. This variant is predicted to lead to an abnormal or absent protein product due to the creation of a premature termination codon in NPC1, a gene where loss-of-function variants are known to be pathogenic. Please note: this variant was assessed in the context of healthy population screening.

Labcorp Genetics (formerly Invitae), Labcorp
Classification: Pathogenic for Niemann-Pick disease, type C1. Last evaluated: 2020-07-23. Review status: criteria provided, single submitter. Criteria: Invitae Variant Classification Sherloc (09022015). Collection method: clinical testing. Allele origin: germline.
Comment: For these reasons, this variant has been classified as Pathogenic. Loss-of-function variants in NPC1 are known to be pathogenic (PMID: 9211850). This variant has not been reported in the literature in individuals with NPC1-related conditions. This variant is not present in population databases (ExAC no frequency). This sequence change creates a premature translational stop signal (p.Asn1101Serfs*13) in the NPC1 gene. It is expected to result in an absent or disrupted protein product.

Literature cited by the submitters: PubMed 9211850 (cited by Labcorp Genetics (formerly Invitae), Labcorp).